The following is an entry in ClinVar:

NM_004336.5(BUB1):c.2390C>G (p.Ala797Gly)

Gene: BUB1 (BUB1 mitotic checkpoint serine/threonine kinase; minus strand). Cytogenetic location: 2q13.
Variant type: single nucleotide variant.
Coding change: c.2390C>G on transcript NM_004336.5 (MANE Select); coding-DNA position 2390, C replaced by G.
Protein change: p.Ala797Gly; replaces alanine 797 with glycine.
Molecular consequence: missense variant.
Genome position (GRCh38, 1-based): chr2:110,642,192, G>C on the plus strand (C>G on the coding strand, the complement: BUB1 is on the minus strand). VCF-style: chr2-110642192-G-C. GRCh37 (hg19) VCF-style: chr2-111399769-G-C.
Other names: c.2330C>G, p.Ala777Gly (NM_001278616.2); c.2390C>G, p.Ala797Gly (NM_001278617.2); short protein forms A777G, A797G.
Identifiers: ClinVar variation 3224044 (VCV003224044.3), dbSNP rs1455191017, ClinGen allele CA348090987.

ClinVar aggregate classification (germline): Uncertain significance. Review status: criteria provided, multiple submitters, no conflicts (2 of 4 stars). 2 submissions from 2 submitters: Uncertain significance (2). Last evaluated 2024-11-19.

Allele frequency attached by ClinVar (database versions not stated): gnomAD exomes below 0.00001; TOPMed below 0.00001; gnomAD 0.00001.
gnomAD v4.1: 4 of 1,613,428 alleles (0.00025%); highest among the groups gnomAD compares: Non-Finnish European, 0.00034%; no homozygotes.

Submissions (2):

Labcorp Genetics (formerly Invitae), Labcorp
Classification: Uncertain significance. Last evaluated: 2024-11-19. Review status: criteria provided, single submitter. Criteria: Invitae Variant Classification Sherloc (09022015). Collection method: clinical testing. Allele origin: germline.
Comment: This sequence change replaces alanine, which is neutral and non-polar, with glycine, which is neutral and non-polar, at codon 797 of the BUB1 protein (p.Ala797Gly). This variant is present in population databases (no rsID available, gnomAD 0.0009%). This variant has not been reported in the literature in individuals affected with BUB1-related conditions. ClinVar contains an entry for this variant (Variation ID: 3224044). Experimental studies and prediction algorithms are not available or were not evaluated, and the functional significance of this variant is currently unknown. In summary, the available evidence is currently insufficient to determine the role of this variant in disease. Therefore, it has been classified as a Variant of Uncertain Significance.

Ambry Genetics
Classification: Uncertain significance. Last evaluated: 2024-03-13. Review status: criteria provided, single submitter. Criteria: Ambry Variant Classification Scheme 2023. Collection method: clinical testing. Allele origin: germline.
Comment: The p.A797G variant (also known as c.2390C>G), located in coding exon 20 of the BUB1 gene, results from a C to G substitution at nucleotide position 2390. The alanine at codon 797 is replaced by glycine, an amino acid with similar properties. This amino acid position is conserved. In addition, this alteration is predicted to be tolerated by in silico analysis. Based on the available evidence, the clinical significance of this alteration remains unclear.